The following is an entry in ClinVar:

ClinVar aggregate classification (germline): Uncertain significance (1 of 4 stars; one submission).

Conditions:
Charcot-Marie-Tooth disease axonal type 2O. Also called: CHARCOT-MARIE-TOOTH NEUROPATHY, AXONAL, TYPE 2O; CHARCOT-MARIE-TOOTH DISEASE, AXONAL, AUTOSOMAL DOMINANT, TYPE 2O; Charcot-Marie-Tooth disease, axonal, type 20; Charcot-Marie-Tooth Neuropathy Type 2O. Identifiers: Orphanet 284232, MedGen C3280220, MONDO:0013644, OMIM 614228.

Submission:

Labcorp Genetics (formerly Invitae), Labcorp
Classification: Uncertain significance for Charcot-Marie-Tooth disease axonal type 2O. Last evaluated: 2021-08-23. Review status: criteria provided, single submitter. Criteria: Invitae Variant Classification Sherloc (09022015). Collection method: clinical testing. Allele origin: germline.
Comment: This sequence change replaces asparagine with lysine at codon 453 of the DYNC1H1 protein (p.Asn453Lys). The asparagine residue is moderately conserved and there is a moderate physicochemical difference between asparagine and lysine. This variant is not present in population databases (ExAC no frequency). This variant has not been reported in the literature in individuals affected with DYNC1H1-related conditions. Advanced modeling of protein sequence and biophysical properties (such as structural, functional, and spatial information, amino acid conservation, physicochemical variation, residue mobility, and thermodynamic stability) performed at Invitae indicates that this missense variant is not expected to disrupt DYNC1H1 protein function. In summary, the available evidence is currently insufficient to determine the role of this variant in disease. Therefore, it has been classified as a Variant of Uncertain Significance.

NM_001376.5(DYNC1H1):c.1359C>A (p.Asn453Lys)

Gene: DYNC1H1 (dynein cytoplasmic 1 heavy chain 1; plus strand). Cytogenetic location: 14q32.31.
Variant type: single nucleotide variant.
Coding change: c.1359C>A on transcript NM_001376.5 (MANE Select); coding-DNA position 1359, C replaced by A.
Protein change: p.Asn453Lys; replaces asparagine 453 with lysine.
Molecular consequence: missense variant.
Genome position (GRCh38, 1-based): chr14:101,983,507, C>A. VCF-style: chr14-101983507-C-A. GRCh37 (hg19) VCF-style: chr14-102449844-C-A.
Other names: short protein forms N453K.
Identifiers: ClinVar variation 1434685 (VCV001434685.6), dbSNP rs2141272545, ClinGen allele CA391015530.